The following is an entry in ClinVar:

ClinVar aggregate classification (germline): Conflicting classifications of pathogenicity. Review status: criteria provided, conflicting classifications (1 of 4 stars). 3 submissions from 3 submitters: Uncertain significance (1); Likely benign (1). 1 of the submissions does not count toward it. Last evaluated 2025-02-16.

Conditions:
EP300-related disorder. Also called: EP300-related disorders; EP300-related condition.

gnomAD v4.1: 8 of 1,614,066 alleles (0.0005%); highest among the groups gnomAD compares: South Asian, 0.0011%; no homozygotes.

Submissions (3):

Laboratory of Genetics, Children's Clinical University Hospital Latvia
Classification: Likely benign. Last evaluated: 2025-02-16. Review status: criteria provided, single submitter. Criteria: ACMG Guidelines, 2015. Collection method: clinical testing. Allele origin: germline. Affected: yes.

Blueprint Genetics
Classification: Uncertain significance. Last evaluated: 2020-09-16. Review status: criteria provided, single submitter. Criteria: ACMG Guidelines, 2015. Collection method: clinical testing. Allele origin: germline.

PreventionGenetics, part of Exact Sciences
Classification: Uncertain significance for EP300-related condition. Last evaluated: 2024-05-22. Review status: no assertion criteria provided. Collection method: clinical testing. Allele origin: germline. Not counted in ClinVar's aggregate classification.
Comment: The EP300 c.587T>C variant is predicted to result in the amino acid substitution p.Ile196Thr. To our knowledge, this variant has not been reported in the literature. This variant is reported in 0.0015% of alleles in individuals of European (Non-Finnish) descent in gnomAD. At this time, the clinical significance of this variant is uncertain due to the absence of conclusive functional and genetic evidence.

NM_001429.4(EP300):c.587T>C (p.Ile196Thr)

Gene: EP300 (EP300 lysine acetyltransferase; plus strand). Cytogenetic location: 22q13.2.
Variant type: single nucleotide variant.
Coding change: c.587T>C on transcript NM_001429.4 (MANE Select); coding-DNA position 587, T replaced by C.
Protein change: p.Ile196Thr; replaces isoleucine 196 with threonine.
Molecular consequence: missense variant.
Genome position (GRCh38, 1-based): chr22:41,117,679, T>C. VCF-style: chr22-41117679-T-C. GRCh37 (hg19) VCF-style: chr22-41513683-T-C.
Other names: c.587T>C, p.Ile196Thr (NM_001362843.2); short protein forms I196T.
Identifiers: ClinVar variation 3353817 (VCV003353817.3).
Genomic context (GRCh38, chr22:41,117,679, plus strand): 5'-GAATGTTGGCTGCAGGCAATGGACAAGGGATAATGCCTAATCAAGTCATGAACGGTTCAA[T>C]TGGAGCAGGCCGAGGGCGACAGAATATGCAGTACCCAAACCCAGGCATGGGAAGTGCTGG-3'
Protein context (NP_001420.2, residues 186-206): IMPNQVMNGS[Ile196Thr]GAGRGRQNMQ